The following is an entry in ClinVar:

ClinVar aggregate classification (germline): Uncertain significance (1 of 4 stars; one submission).

Conditions:
Charcot-Marie-Tooth disease type 4. Also called: Charcot-Marie-Tooth disease, type IV; Charcot-Marie-Tooth, Type 4. Identifiers: Orphanet 64749, MedGen C4082197, MONDO:0018995.

Allele frequency attached by ClinVar (database versions not stated): gnomAD exomes below 0.00001 and 0.00001; gnomAD 0.00001.
gnomAD v4.1: 16 of 1,614,088 alleles (0.00099%); highest among the groups gnomAD compares: African/African-American, 0.0013%; no homozygotes.

Submission:

Labcorp Genetics (formerly Invitae), Labcorp
Classification: Uncertain significance for Charcot-Marie-Tooth disease type 4. Last evaluated: 2022-06-19. Review status: criteria provided, single submitter. Criteria: Invitae Variant Classification Sherloc (09022015). Collection method: clinical testing. Allele origin: germline.
Comment: This sequence change replaces serine, which is neutral and polar, with threonine, which is neutral and polar, at codon 1380 of the SBF2 protein (p.Ser1380Thr). This variant is present in population databases (no rsID available, gnomAD 0.0009%). This variant has not been reported in the literature in individuals affected with SBF2-related conditions. Algorithms developed to predict the effect of missense changes on protein structure and function are either unavailable or do not agree on the potential impact of this missense change (SIFT: "Deleterious"; PolyPhen-2: "Probably Damaging"; Align-GVGD: "Class C0"). In summary, the available evidence is currently insufficient to determine the role of this variant in disease. Therefore, it has been classified as a Variant of Uncertain Significance.

NM_030962.4(SBF2):c.4138T>A (p.Ser1380Thr)

Gene: SBF2 (SET binding factor 2; minus strand). Cytogenetic location: 11p15.4.
Variant type: single nucleotide variant.
Coding change: c.4138T>A on transcript NM_030962.4 (MANE Select); coding-DNA position 4138, T replaced by A.
Protein change: p.Ser1380Thr; replaces serine 1380 with threonine.
Molecular consequence: missense variant.
Genome position (GRCh38, 1-based): chr11:9,812,549, A>T on the plus strand (T>A on the coding strand, the complement: SBF2 is on the minus strand). VCF-style: chr11-9812549-A-T. GRCh37 (hg19) VCF-style: chr11-9834096-A-T.
Other names: c.4234T>A, p.Ser1412Thr (NM_001386339.1); c.4009T>A, p.Ser1337Thr (NM_001386342.1); short protein forms S1337T, S1412T, S1380T.
Identifiers: ClinVar variation 1400930 (VCV001400930.3), dbSNP rs1564876099, ClinGen allele CA379642933.
Genomic context (GRCh38, chr11:9,812,549, plus strand): 5'-TGTTTCTTTGAGTTATAAAGAAAGAAGCTGCTTCAGACATTACCTGTGGGAACCACTCAG[A>T]ATCTCCCAGCGCTTTCAGGAAGGTCACTTCTGAGTCAGTAGGGATGGTGCTTGGGATACA-3'
Protein context (NP_112224.1, residues 1370-1390): EVTFLKALGD[Ser1380Thr]EWFPQLHRIM